The following is an entry in ClinVar:

NM_001844.5(COL2A1):c.1952G>T (p.Gly651Val)

Gene: COL2A1 (collagen type II alpha 1 chain; minus strand). Cytogenetic location: 12q13.11.
Variant type: single nucleotide variant.
Coding change: c.1952G>T on transcript NM_001844.5 (MANE Select); coding-DNA position 1952, G replaced by T.
Protein change: p.Gly651Val; replaces glycine 651 with valine.
Molecular consequence: missense variant.
Genome position (GRCh38, 1-based): chr12:47,983,726, C>A on the plus strand (G>T on the coding strand, the complement: COL2A1 is on the minus strand). VCF-style: chr12-47983726-C-A. GRCh37 (hg19) VCF-style: chr12-48377509-C-A.
Other names: c.1745G>T, p.Gly582Val (NM_033150.3); short protein forms G582V, G651V.
Identifiers: ClinVar variation 1693265 (VCV001693265.2), dbSNP rs1447463543, ClinGen allele CA384548567.

ClinVar aggregate classification (germline): Likely pathogenic (0 of 4 stars; one submission).

Conditions:
Achondrogenesis type II (ACG2). Also called: CHONDROGENESIS IMPERFECTA; ACHONDROGENESIS, LANGER-SALDINO TYPE. Identifiers: Orphanet 932, Orphanet 93296, MedGen C0220685, MONDO:0008702, OMIM 200610.

Submission:

Institute of Medical Genetics and Genomics, Sir Ganga Ram Hospital
Classification: Likely pathogenic for Achondrogenesis type II. Last evaluated: 2022-07-03. Review status: no assertion criteria provided. Collection method: clinical testing. Allele origin: de novo. Inheritance: Autosomal dominant inheritance. Affected: yes. Observed: 1 heterozygote.
Comment: The novel heterozygous mis-sense variant c.1952G>T (p.G651V) as not been observed in gnomAD and 1000g. In-silico bioinformatic software predict this variant by mutation taster as Disease causing and SIFT & PROVEAN as Damaging.